The following is an entry in ClinVar:

NM_173354.5(SIK1):c.923C>T (p.Ala308Val)

Gene: SIK1 (salt inducible kinase 1; minus strand). Cytogenetic location: 21q22.3.
Variant type: single nucleotide variant.
Coding change: c.923C>T on transcript NM_173354.5 (MANE Select); coding-DNA position 923, C replaced by T.
Protein change: p.Ala308Val; replaces alanine 308 with valine.
Molecular consequence: missense variant.
Genome position (GRCh38, 1-based): chr21:43,420,283, G>A on the plus strand (C>T on the coding strand, the complement: SIK1 is on the minus strand). VCF-style: chr21-43420283-G-A. GRCh37 (hg19) VCF-style: chr21-44840163-G-A.
Other names: short protein forms A308V.
Identifiers: ClinVar variation 848132 (VCV000848132.11), dbSNP rs1363272609, ClinGen allele CA410609123.

ClinVar aggregate classification (germline): Uncertain significance (1 of 4 stars; one submission).

Conditions:
Developmental and epileptic encephalopathy, 30 (DEE30). Also called: Epileptic encephalopathy, early infantile, 30. Identifiers: MedGen C4225360, MONDO:0014595, OMIM 616341.

Allele frequency attached by ClinVar (database versions not stated): gnomAD exomes below 0.00001.

Submissions (2):

Labcorp Genetics (formerly Invitae), Labcorp
Classification: Uncertain significance for Developmental and epileptic encephalopathy, 30. Last evaluated: 2024-02-01. Review status: criteria provided, single submitter. Criteria: Invitae Variant Classification Sherloc (09022015). Collection method: clinical testing. Allele origin: germline.
Comment: This sequence change replaces alanine, which is neutral and non-polar, with valine, which is neutral and non-polar, at codon 308 of the SIK1 protein (p.Ala308Val). This variant is present in population databases (no rsID available, gnomAD 0.0009%). This variant has not been reported in the literature in individuals affected with SIK1-related conditions. ClinVar contains an entry for this variant (Variation ID: 848132). Advanced modeling of protein sequence and biophysical properties (such as structural, functional, and spatial information, amino acid conservation, physicochemical variation, residue mobility, and thermodynamic stability) performed at Invitae indicates that this missense variant is not expected to disrupt SIK1 protein function with a negative predictive value of 95%. In summary, the available evidence is currently insufficient to determine the role of this variant in disease. Therefore, it has been classified as a Variant of Uncertain Significance.

Dr. Peter K. Rogan Lab, Western University
No classification provided (evidence only). Condition: Melanoma. Review status: no classification provided. Collection method: in vitro. Allele origin: not applicable. Functional consequence: retained intron. Not counted in ClinVar's aggregate classification.